The following is an entry in ClinVar:

NM_031924.8(RSPH3):c.-404C>A

Genes: TAGAP-AS1 (TAGAP antisense RNA 1; plus strand), RSPH3 (radial spoke head 3; minus strand). Cytogenetic location: 6q25.3.
Variant type: single nucleotide variant.
Coding change: c.-404C>A on transcript NM_031924.8 (MANE Select); 404 bases upstream of the start codon, C replaced by A.
Molecular consequence: 5 prime UTR variant. On other transcripts: non-coding transcript variant (3), missense variant (1).
Genome position (GRCh38, 1-based): chr6:158,999,954, G>T on the plus strand (C>A on the coding strand, the complement: RSPH3 is on the minus strand). VCF-style: chr6-158999954-G-T. GRCh37 (hg19) VCF-style: chr6-159420986-G-T.
Other names: c.23C>A, p.Ala8Asp (NM_001346418.1); short protein forms A8D.
Identifiers: ClinVar variation 4693710 (VCV004693710.1).

ClinVar aggregate classification (germline): Uncertain significance (1 of 4 stars; one submission).

Conditions:
Primary ciliary dyskinesia 32. Also called: CILIARY DYSKINESIA, PRIMARY, 32, WITHOUT SITUS INVERSUS. Identifiers: Orphanet 244, MedGen C4225311, MONDO:0014657, OMIM 616481.

Submission:

Labcorp Genetics (formerly Invitae), Labcorp
Classification: Uncertain significance for Primary ciliary dyskinesia 32. Last evaluated: 2025-03-29. Review status: criteria provided, single submitter. Criteria: Invitae Variant Classification Sherloc (09022015). Collection method: clinical testing. Allele origin: germline.
Comment: This sequence change replaces alanine, which is neutral and non-polar, with aspartic acid, which is acidic and polar, at codon 8 of the RSPH3 protein (p.Ala8Asp). This variant is present in population databases (no rsID available, gnomAD 0.006%). This variant has not been reported in the literature in individuals affected with RSPH3-related conditions. An algorithm developed to predict the effect of missense changes on protein structure and function (PolyPhen-2) suggests that this variant is likely to be tolerated. In summary, the available evidence is currently insufficient to determine the role of this variant in disease. Therefore, it has been classified as a Variant of Uncertain Significance.